The following is an entry in ClinVar:

ClinVar aggregate classification (germline): Benign/Likely benign. Review status: criteria provided, multiple submitters, no conflicts (2 of 4 stars). 2 submissions from 2 submitters: Benign (1); Likely benign (1). Last evaluated 2024-11-26.

Allele frequency attached by ClinVar (database versions not stated): 1000 Genomes Project 0.00140; 1000 Genomes Project 30x 0.00156.
gnomAD v4.1: 412 of 1,613,678 alleles (0.026%); highest among the groups gnomAD compares: South Asian, 0.4%; 5 homozygotes.

Submissions (2):

Blueprint Genetics
Classification: Likely benign. Last evaluated: 2024-11-26. Review status: criteria provided, single submitter. Criteria: ACMG Guidelines, 2015. Collection method: clinical testing. Allele origin: germline.

CeGaT Center for Human Genetics Tuebingen
Classification: Benign. Last evaluated: 2022-09-01. Review status: criteria provided, single submitter. Criteria: CeGaT Center For Human Genetics Tuebingen Variant Classification Criteria Version 2. Collection method: clinical testing. Allele origin: germline. Affected: yes. Observed: 1 variant allele.
Comment: CIC: BS1, BS2

NM_001386298.1(CIC):c.6849C>A (p.Pro2283=)

Gene: CIC (capicua transcriptional repressor; plus strand). Cytogenetic location: 19q13.2.
Variant type: single nucleotide variant.
Coding change: c.6849C>A on transcript NM_001386298.1 (MANE Select); coding-DNA position 6849, C replaced by A.
Protein change: p.Pro2283=; no amino-acid change (proline 2283 retained).
Molecular consequence: synonymous variant.
Genome position (GRCh38, 1-based): chr19:42,294,016, C>A. VCF-style: chr19-42294016-C-A. GRCh37 (hg19) VCF-style: chr19-42798168-C-A.
Other names: c.6849C>A, p.Pro2283= (NM_001304815.2); c.6846C>A, p.Pro2282= (NM_001379480.1, NM_001379482.1, NM_001379483.1); c.4122C>A, p.Pro1374= (NM_001379484.1, NM_015125.5); c.4119C>A, p.Pro1373= (NM_001379485.1).
Identifiers: ClinVar variation 2650014 (VCV002650014.25), dbSNP rs138327774, ClinGen allele CA9472847.